The following is an entry in ClinVar:

ClinVar aggregate classification (germline): Uncertain significance (0 of 4 stars; one submission).

Conditions:
DNAH10-related disorder. Also called: DNAH10-related condition.

gnomAD v4.1: 237 of 1,614,062 alleles (0.015%); highest among the groups gnomAD compares: Non-Finnish European, 0.013%; no homozygotes.

Submission:

PreventionGenetics, part of Exact Sciences
Classification: Uncertain significance for DNAH10-related condition. Last evaluated: 2024-05-29. Review status: no assertion criteria provided. Collection method: clinical testing. Allele origin: germline.
Comment: The DNAH10 c.2641C>G variant is predicted to result in the amino acid substitution p.Gln881Glu. To our knowledge, this variant has not been reported in the literature. This variant is reported in 0.14% of alleles in individuals of European (Finnish) descent in gnomAD. Although we suspect that this variant may be benign, at this time, the clinical significance of this variant is uncertain due to the absence of conclusive functional and genetic evidence.

NM_001372106.1(DNAH10):c.2995C>G (p.Gln999Glu)

Gene: DNAH10 (dynein axonemal heavy chain 10; plus strand). Cytogenetic location: 12q24.31.
Variant type: single nucleotide variant.
Coding change: c.2995C>G on transcript NM_001372106.1 (MANE Select); coding-DNA position 2995, C replaced by G.
Protein change: p.Gln999Glu; replaces glutamine 999 with glutamic acid.
Molecular consequence: missense variant.
Genome position (GRCh38, 1-based): chr12:123,808,804, C>G. VCF-style: chr12-123808804-C-G. GRCh37 (hg19) VCF-style: chr12-124293351-C-G.
Other names: c.2641C>G, p.Gln881Glu (NM_207437.3); short protein forms Q881E, Q999E.
Identifiers: ClinVar variation 3351339 (VCV003351339.1).